The following is an entry in ClinVar:

ClinVar aggregate classification (germline): Uncertain significance (1 of 4 stars; one submission).

Allele frequency attached by ClinVar (database versions not stated): gnomAD exomes 0.00001.
gnomAD v4.1: 3 of 1,614,210 alleles (0.00019%); highest among the groups gnomAD compares: Non-Finnish European, 0.00025%; no homozygotes.

Submission:

Ambry Genetics
Classification: Uncertain significance. Last evaluated: 2024-03-04. Review status: criteria provided, single submitter. Criteria: Ambry Variant Classification Scheme 2023. Collection method: clinical testing. Allele origin: germline.
Comment: The p.W863C variant (also known as c.2589G>T), located in coding exon 16 of the POLQ gene, results from a G to T substitution at nucleotide position 2589. The tryptophan at codon 863 is replaced by cysteine, an amino acid with highly dissimilar properties. This amino acid position is conserved. In addition, the in silico prediction for this alteration is inconclusive. Since supporting evidence is limited at this time, the clinical significance of this alteration remains unclear.

NM_199420.4(POLQ):c.2589G>T (p.Trp863Cys)

Gene: POLQ (DNA polymerase theta; minus strand). Cytogenetic location: 3q13.33.
Variant type: single nucleotide variant.
Coding change: c.2589G>T on transcript NM_199420.4 (MANE Select); coding-DNA position 2589, G replaced by T.
Protein change: p.Trp863Cys; replaces tryptophan 863 with cysteine.
Molecular consequence: missense variant.
Genome position (GRCh38, 1-based): chr3:121,490,342, C>A on the plus strand (G>T on the coding strand, the complement: POLQ is on the minus strand). VCF-style: chr3-121490342-C-A. GRCh37 (hg19) VCF-style: chr3-121209189-C-A.
Other names: short protein forms W863C.
Identifiers: ClinVar variation 1793460 (VCV001793460.2), dbSNP rs1416374681, ClinGen allele CA354105739.